The following is an entry in ClinVar:

NM_144614.4(MBD3L2):c.387A>G (p.Arg129=)

Gene: MBD3L2 (methyl-CpG binding domain protein 3 like 2; plus strand). Cytogenetic location: 19p13.2.
Variant type: single nucleotide variant.
Coding change: c.387A>G on transcript NM_144614.4 (MANE Select); coding-DNA position 387, A replaced by G.
Protein change: p.Arg129=; no amino-acid change (arginine 129 retained).
Molecular consequence: synonymous variant.
Genome position (GRCh38, 1-based): chr19:7,051,382, A>G. VCF-style: chr19-7051382-A-G. GRCh37 (hg19) VCF-style: chr19-7051393-A-G.
Identifiers: ClinVar variation 2649148 (VCV002649148.24), dbSNP rs754556726, ClinGen allele CA9134558.
Genomic context (GRCh38, chr19:7,051,382, plus strand): 5'-GCATTTGGAGAGCGTCTTAAGTATCCTTGCACCGGGGACGGCCGGTGAATCTCTGGACAG[A>G]GCTGGTGCTGAGCGTGTGCGCAGCCCGCTTGAGCCCACCCCTGGGCGGTTTCCAGCTGTG-3'
Protein context (NP_653215.2, residues 119-139): APGTAGESLD[Arg129=]AGAERVRSPL

ClinVar aggregate classification (germline): Likely benign (1 of 4 stars; one submission).

Allele frequency attached by ClinVar (database versions not stated): 1000 Genomes Project 30x 0.00625.

Submission:

CeGaT Center for Human Genetics Tuebingen
Classification: Likely benign. Last evaluated: 2024-11-01. Review status: criteria provided, single submitter. Criteria: CeGaT Center For Human Genetics Tuebingen Variant Classification Criteria Version 2. Collection method: clinical testing. Allele origin: germline. Affected: yes. Observed: 3 variant alleles.
Comment: MBD3L2: BP4, BP7